The following is an entry in ClinVar:

NM_024596.5(MCPH1):c.1099C>G (p.Pro367Ala)

Gene: MCPH1 (microcephalin 1; plus strand). Cytogenetic location: 8p23.1.
Variant type: single nucleotide variant.
Coding change: c.1099C>G on transcript NM_024596.5 (MANE Select); coding-DNA position 1099, C replaced by G.
Protein change: p.Pro367Ala; replaces proline 367 with alanine.
Molecular consequence: missense variant. On other transcripts: non-coding transcript variant (1).
Genome position (GRCh38, 1-based): chr8:6,444,821, C>G. VCF-style: chr8-6444821-C-G. GRCh37 (hg19) VCF-style: chr8-6302342-C-G.
Other names: c.1099C>G, p.Pro367Ala (NM_001172574.2, NM_001322042.2, NM_001363979.1 and 3 more transcripts); c.955C>G, p.Pro319Ala (NM_001172575.2); c.1093C>G, p.Pro365Ala (NM_001322043.2); c.997C>G, p.Pro333Ala (NM_001322045.2); short protein forms P319A, P333A, P365A, P367A.
Identifiers: ClinVar variation 4881398 (VCV004881398.2).

ClinVar aggregate classification (germline): Uncertain significance (1 of 4 stars; one submission).

Submission:

Dasa
Classification: Uncertain significance. Last evaluated: 2025-08-24. Review status: criteria provided, single submitter. Criteria: DASA Assertion Criteria. Collection method: clinical testing. Allele origin: germline.
Comment: NM_024596.5(MCPH1):c.1099C>G (p.Pro367Ala) is a missense variant that results in the substitution of proline with alanine. This variant is absent from population databases. Computational prediction algorithms are consistent with a benign effect. The currently available literature and clinical evidence are not sufficient to establish a definitive association between this variant and the reported condition. Therefore, this variant is classified as a variant of uncertain significance.